The following is an entry in ClinVar:

ClinVar aggregate classification (germline): Uncertain significance (1 of 4 stars; one submission).

Conditions:
WDTC1-related disorder.

Submission:

Daryl Scott Lab, Baylor College of Medicine
Classification: Uncertain significance for WDTC1-related disorder. Last evaluated: 2025-08-25. Review status: criteria provided, single submitter. Criteria: ACMG Guidelines, 2015. Collection method: clinical testing. Allele origin: inherited. Affected: yes. Observed: 2 heterozygotes.
Comment: PVS1_supporting, PM2

NM_001276252.2(WDTC1):c.1050del (p.His351fs)

Gene: WDTC1 (WD and tetratricopeptide repeats 1; plus strand). Cytogenetic location: 1p36.11.
Variant type: Deletion.
Coding change: c.1050del on transcript NM_001276252.2 (MANE Select); coding-DNA position 1050, one base deleted (A; older notation c.1050delA).
Protein change: p.His351fs; shifts the reading frame from histidine 351.
Molecular consequence: frameshift variant.
Genome position (GRCh38, 1-based): chr1:27,297,148, A deleted. VCF-style (leftmost placement, unchanged base first): chr1-27297147-GA-G. GRCh37 (hg19) VCF-style: chr1-27623638-GA-G.
Other names: c.1050del, p.His351fs (NM_001410767.1); c.1047del, p.His350fs (NM_015023.5); short protein forms H350fs, H351fs.
Identifiers: ClinVar variation 4539811 (VCV004539811.1).